The following is an entry in ClinVar:

ClinVar aggregate classification (germline): Benign/Likely benign. Review status: criteria provided, multiple submitters, no conflicts (2 of 4 stars). 3 submissions from 3 submitters: Benign (2); Likely benign (1). Last evaluated 2025-11-25.

Conditions:
Neuronal ceroid lipofuscinosis. Also called: Neuronal Ceroid Lipofuscinoses. Identifiers: Orphanet 216, Orphanet 79263, MedGen C0027877, MONDO:0016295. Disease mechanism: loss of function.

Submissions (3):

Labcorp Genetics (formerly Invitae), Labcorp
Classification: Benign for Neuronal ceroid lipofuscinosis. Last evaluated: 2025-11-25. Review status: criteria provided, single submitter. Criteria: Invitae Variant Classification Sherloc (09022015). Collection method: clinical testing. Allele origin: germline.

Blueprint Genetics
Classification: Likely benign. Last evaluated: 2024-09-18. Review status: criteria provided, single submitter. Criteria: ACMG Guidelines, 2015. Collection method: clinical testing. Allele origin: germline.

GeneDx
Classification: Benign. Last evaluated: 2015-04-15. Review status: criteria provided, single submitter. Criteria: GeneDx Variant Classification (06012015). Collection method: clinical testing. Allele origin: germline. Affected: yes.
Comment: This variant is considered likely benign or benign based on one or more of the following criteria: it is a conservative change, it occurs at a poorly conserved position in the protein, it is predicted to be benign by multiple in silico algorithms, and/or has population frequency not consistent with disease.

NM_017882.3(CLN6):c.83+14dup

Gene: CLN6 (CLN6 transmembrane ER protein; minus strand). Cytogenetic location: 15q23.
Variant type: Duplication.
Coding change: c.83+14dup on transcript NM_017882.3 (MANE Select); 14 bases into the intron after coding-DNA position 83, one base duplicated (G; older notation c.83+14dupG).
Molecular consequence: intron variant.
Genome position (GRCh38, 1-based): chr15:68,229,485, C duplicated on the plus strand (G on the coding strand, the reverse complement: CLN6 is on the minus strand); the first of 4 consecutive C bases (chr15:68,229,485-68,229,488); duplicating any one gives the same sequence. VCF-style (leftmost placement, unchanged base first): chr15-68229484-A-AC. GRCh37 (hg19) VCF-style: chr15-68521822-A-AC.
Other names: c.83+17dupG (NM_017882.2).
Identifiers: ClinVar variation 418135 (VCV000418135.10), dbSNP rs756808642, ClinGen allele CA7630728.
Genomic context (GRCh38, chr15:68,229,484, plus strand): 5'-TAGGAGCGTCACGTGGCGGGTCCCGAGGCCCCAGCGCACAGGCGCCTAGCCCGCCCTCTC[A>AC]CCCCGGCGCGCGCCCACCTGGCCTGCAGGAAGGAGGCGCCCAGCTGCGCGCCTGGGCCGC-3'